The following is an entry in ClinVar:

ClinVar aggregate classification (germline): Likely benign (1 of 4 stars; one submission).

Allele frequency attached by ClinVar (database versions not stated): ExAC 0.00121; 1000 Genomes Project 0.00260; 1000 Genomes Project 30x 0.00281; gnomAD 0.00298; TOPMed 0.00320; ESP Exome Variant Server 0.00323.
gnomAD v4.1: 888 of 1,551,654 alleles (0.057%); highest among the groups gnomAD compares: African/African-American, 1%; 5 homozygotes.

Submission:

CeGaT Center for Human Genetics Tuebingen
Classification: Likely benign. Last evaluated: 2022-09-01. Review status: criteria provided, single submitter. Criteria: CeGaT Center For Human Genetics Tuebingen Variant Classification Criteria Version 2. Collection method: clinical testing. Allele origin: germline. Affected: yes. Observed: 1 variant allele.
Comment: TJP3: BP4, BS2

NM_001267560.2(TJP3):c.2296C>T (p.Arg766Trp)

Gene: TJP3 (tight junction protein 3; plus strand). Cytogenetic location: 19p13.3.
Variant type: single nucleotide variant.
Coding change: c.2296C>T on transcript NM_001267560.2 (MANE Select); coding-DNA position 2296, C replaced by T.
Protein change: p.Arg766Trp; replaces arginine 766 with tryptophan.
Molecular consequence: missense variant.
Genome position (GRCh38, 1-based): chr19:3,746,850, C>T. VCF-style: chr19-3746850-C-T. GRCh37 (hg19) VCF-style: chr19-3746848-C-T.
Other names: c.2323C>T, p.Arg775Trp (NM_001267561.2); short protein forms R766W, R775W.
Identifiers: ClinVar variation 2649010 (VCV002649010.24), dbSNP rs35335659, ClinGen allele CA9083901.
Genomic context (GRCh38, chr19:3,746,850, plus strand): 5'-AATGGCACGAGTGACACCTGGTACCAGGAGCTCAAGGCCATCATTCGAGAGCAGCAGACG[C>T]GGCCCATCTGGACGGCGGAAGATCAGGTACTGCCGCGGTGTGGGTGGGTCGGGCAGGGAG-3'
Protein context (NP_001254489.1, residues 756-776): LKAIIREQQT[Arg766Trp]PIWTAEDQLD